The following is an entry in ClinVar:

NM_006995.5(BTN2A2):c.443-8C>G

Gene: BTN2A2 (butyrophilin subfamily 2 member A2; plus strand). Cytogenetic location: 6p22.2.
Variant type: single nucleotide variant.
Coding change: c.443-8C>G on transcript NM_006995.5 (MANE Select); 8 bases into the intron before coding-DNA position 443, C replaced by G.
Molecular consequence: intron variant.
Genome position (GRCh38, 1-based): chr6:26,388,005, C>G. VCF-style: chr6-26388005-C-G. GRCh37 (hg19) VCF-style: chr6-26388233-C-G.
Other names: c.443-8C>G (NM_001197237.2, NM_001197238.2); c.443-2000C>G (NM_001197240.2); c.95-8C>G (NM_181531.3); c.95-2000C>G (NM_001197239.2).
Identifiers: ClinVar variation 3034603 (VCV003034603.2), dbSNP rs142227365, ClinGen allele CA3672407.

ClinVar aggregate classification (germline): Likely benign (0 of 4 stars; one submission).

Conditions:
BTN2A2-related disorder. Also called: BTN2A2-related condition.

Allele frequency attached by ClinVar (database versions not stated): gnomAD exomes 0.00008; ExAC 0.00027; 1000 Genomes Project 30x 0.00031; 1000 Genomes Project 0.00040; gnomAD 0.00113; TOPMed 0.00113; ESP Exome Variant Server 0.00161.
gnomAD v4.1: 294 of 1,606,430 alleles (0.018%); highest among the groups gnomAD compares: African/African-American, 0.35%; no homozygotes.

Submission:

PreventionGenetics, part of Exact Sciences
Classification: Likely benign for BTN2A2-related condition. Last evaluated: 2019-07-29. Review status: no assertion criteria provided. Collection method: clinical testing. Allele origin: germline.
Comment: This variant is classified as likely benign based on ACMG/AMP sequence variant interpretation guidelines (Richards et al. 2015 PMID: 25741868, with internal and published modifications).